The following is an entry in ClinVar:

ClinVar aggregate classification (germline): Conflicting classifications of pathogenicity. Review status: criteria provided, conflicting classifications (1 of 4 stars). 5 submissions from 5 submitters: Uncertain significance (4); Likely benign (1). Last evaluated 2024-10-11.

Conditions:
Breast-ovarian cancer, familial, susceptibility to, 4. Identifiers: Orphanet 145, MedGen C3280345, MONDO:0013669, OMIM 614291.
Hereditary cancer-predisposing syndrome. Also called: Tumor predisposition; Hereditary neoplastic syndrome; Neoplastic Syndromes, Hereditary; Hereditary Cancer Syndrome. Identifiers: Orphanet 140162, MedGen C0027672, MeSH D009386, MONDO:0015356.

Allele frequency attached by ClinVar (database versions not stated): gnomAD exomes below 0.00001.
gnomAD v4.1: 1 of 1,614,094 alleles (0.000062%); highest among the groups gnomAD compares: Non-Finnish European, 0.000085%; no homozygotes.

Submissions (5):

Labcorp Genetics (formerly Invitae), Labcorp
Classification: Uncertain significance for Breast-ovarian cancer, familial, susceptibility to, 4. Last evaluated: 2024-10-11. Review status: criteria provided, single submitter. Criteria: Invitae Variant Classification Sherloc (09022015). Collection method: clinical testing. Allele origin: germline.
Comment: This sequence change replaces glycine, which is neutral and non-polar, with serine, which is neutral and polar, at codon 127 of the RAD51D protein (p.Gly127Ser). This variant is not present in population databases (gnomAD no frequency). This variant has not been reported in the literature in individuals affected with RAD51D-related conditions. ClinVar contains an entry for this variant (Variation ID: 855551). Invitae Evidence Modeling of protein sequence and biophysical properties (such as structural, functional, and spatial information, amino acid conservation, physicochemical variation, residue mobility, and thermodynamic stability) indicates that this missense variant is not expected to disrupt RAD51D protein function with a negative predictive value of 80%. In summary, the available evidence is currently insufficient to determine the role of this variant in disease. Therefore, it has been classified as a Variant of Uncertain Significance.

Quest Diagnostics Nichols Institute San Juan Capistrano
Classification: Uncertain significance. Last evaluated: 2024-06-20. Review status: criteria provided, single submitter. Criteria: Quest Diagnostics criteria. Collection method: clinical testing. Allele origin: unknown.
Comment: The RAD51D c.379G>A (p.Gly127Ser) variant has not been reported in individuals with RAD51D-related conditions in the published literature. It also has not been reported in large, multi-ethnic general populations (Genome Aggregation Database). Analysis of this variant using bioinformatics tools for the prediction of the effect of amino acid changes on protein structure and function yielded predictions that this variant is benign. Based on the available information, we are unable to determine the clinical significance of this variant.

Baylor Genetics
Classification: Uncertain significance for Breast-ovarian cancer, familial, susceptibility to, 4. Last evaluated: 2023-07-28. Review status: criteria provided, single submitter. Criteria: ACMG Guidelines, 2015. Collection method: clinical testing. Allele origin: unknown.

Ambry Genetics
Classification: Likely benign for Hereditary cancer-predisposing syndrome. Last evaluated: 2022-10-17. Review status: criteria provided, single submitter. Criteria: Ambry Variant Classification Scheme 2023. Collection method: clinical testing. Allele origin: germline.

GeneDx
Classification: Uncertain significance. Last evaluated: 2021-05-24. Review status: criteria provided, single submitter. Criteria: GeneDx Variant Classification Process June 2021. Collection method: clinical testing. Allele origin: germline. Affected: yes.
Comment: Not observed at significant frequency in large population cohorts (Lek et al., 2016); In silico analysis supports that this missense variant has a deleterious effect on protein structure/function; Has not been previously published as pathogenic or benign to our knowledge

NM_002878.4(RAD51D):c.379G>A (p.Gly127Ser)

Genes: RAD51L3-RFFL (RAD51L3-RFFL readthrough; minus strand), RAD51D (RAD51 paralog D; minus strand). Cytogenetic location: 17q12.
Variant type: single nucleotide variant.
Coding change: c.379G>A on transcript NM_002878.4 (MANE Select); coding-DNA position 379, G replaced by A.
Protein change: p.Gly127Ser; replaces glycine 127 with serine.
Molecular consequence: missense variant. On other transcripts: non-coding transcript variant (1), intron variant (1).
Genome position (GRCh38, 1-based): chr17:35,107,089, C>T on the plus strand (G>A on the coding strand, the complement: RAD51D is on the minus strand). VCF-style: chr17-35107089-C-T. GRCh37 (hg19) VCF-style: chr17-33434108-C-T.
Other names: c.439G>A, p.Gly147Ser (NM_001142571.2); c.145-608G>A (NM_133629.3); short protein forms G127S, G147S.
Identifiers: ClinVar variation 855551 (VCV000855551.14), dbSNP rs876659085, ClinGen allele CA399089343.